The following is an entry in ClinVar:

ClinVar aggregate classification (germline): Pathogenic (1 of 4 stars; one submission).

Conditions:
Hereditary cancer-predisposing syndrome. Also called: Hereditary Cancer Syndrome; Tumor predisposition; Hereditary neoplastic syndrome; Neoplastic Syndromes, Hereditary. Identifiers: Orphanet 140162, MedGen C0027672, MeSH D009386, MONDO:0015356.

Submission:

Ambry Genetics
Classification: Pathogenic for Hereditary cancer-predisposing syndrome. Last evaluated: 2024-11-22. Review status: criteria provided, single submitter. Criteria: Ambry Variant Classification Scheme 2023. Collection method: clinical testing. Allele origin: germline.
Comment: The c.2884dupA pathogenic mutation, located in coding exon 21 of the MSH3 gene, results from a duplication of A at nucleotide position 2884, causing a translational frameshift with a predicted alternate stop codon (p.I962Nfs*15). This variant is considered to be rare based on population cohorts in the Genome Aggregation Database (gnomAD). This alteration is expected to result in loss of function by premature protein truncation or nonsense-mediated mRNA decay. As such, this alteration is interpreted as a disease-causing mutation.

NM_002439.5(MSH3):c.2884dup (p.Ile962fs)

Gene: MSH3 (mutS homolog 3; plus strand). Cytogenetic location: 5q14.1.
Variant type: Duplication.
Coding change: c.2884dup on transcript NM_002439.5 (MANE Select); coding-DNA position 2884, one base duplicated (A; older notation c.2884dupA).
Protein change: p.Ile962fs; shifts the reading frame from isoleucine 962.
Molecular consequence: frameshift variant.
Genome position (GRCh38, 1-based): chr5:80,854,200, A duplicated; the last of 3 consecutive A bases (chr5:80,854,198-80,854,200); duplicating any one gives the same sequence. VCF-style (leftmost placement, unchanged base first): chr5-80854197-G-GA. GRCh37 (hg19) VCF-style: chr5-80150016-G-GA.
Other names: short protein forms I962fs.
Identifiers: ClinVar variation 3398766 (VCV003398766.1).